The following is an entry in ClinVar:

ClinVar aggregate classification (germline): Uncertain significance (1 of 4 stars; one submission).

Conditions:
Cardiovascular phenotype. Identifiers: MedGen CN230736.
Hereditary cancer-predisposing syndrome. Also called: Neoplastic Syndromes, Hereditary; Tumor predisposition; Hereditary Cancer Syndrome; Hereditary neoplastic syndrome. Identifiers: Orphanet 140162, MedGen C0027672, MeSH D009386, MONDO:0015356.

Submission:

Ambry Genetics
Classification: Uncertain significance for Cardiovascular phenotype; Hereditary cancer-predisposing syndrome. Last evaluated: 2026-04-02. Review status: criteria provided, single submitter. Criteria: Ambry Variant Classification Scheme 2023. Collection method: clinical testing. Allele origin: germline.
Comment: The p.R810L variant (also known as c.2429G>T), located in coding exon 21 of the LZTR1 gene, results from a G to T substitution at nucleotide position 2429. The arginine at codon 810 is replaced by leucine, an amino acid with dissimilar properties. Other variant(s) at the same codon, p.R810W (c.2428C>T), have been identified in individual(s) with features consistent with LZTR1-related schwannomatosis and in conjunction with other LZTR1 variant(s) in individuals with features consistent with Noonan syndrome; in at least one instance, the variants were identified in trans (external communication, Ambry internal data). This amino acid position is highly conserved in available vertebrate species. In addition, the in silico prediction for this alteration is inconclusive. Based on the available evidence, the clinical significance of this variant remains unclear.

NM_006767.4(LZTR1):c.2429G>T (p.Arg810Leu)

Gene: LZTR1 (leucine zipper like post translational regulator 1; plus strand). Cytogenetic location: 22q11.21.
Variant type: single nucleotide variant.
Coding change: c.2429G>T on transcript NM_006767.4 (MANE Select); coding-DNA position 2429, G replaced by T.
Protein change: p.Arg810Leu; replaces arginine 810 with leucine.
Molecular consequence: missense variant.
Genome position (GRCh38, 1-based): chr22:20,997,254, G>T. VCF-style: chr22-20997254-G-T. GRCh37 (hg19) VCF-style: chr22-21351543-G-T.
Other names: short protein forms R810L.
Identifiers: ClinVar variation 4859347 (VCV004859347.1).